The following is an entry in ClinVar:

ClinVar aggregate classification (germline): Likely benign (0 of 4 stars; one submission).

Conditions:
DDX54-related disorder. Also called: DDX54-related condition.

Allele frequency attached by ClinVar (database versions not stated): gnomAD exomes 0.00119; ExAC 0.00343; gnomAD 0.01029; TOPMed 0.01154; ESP Exome Variant Server 0.01223; 1000 Genomes Project 0.01458; 1000 Genomes Project 30x 0.01483.
gnomAD v4.1: 3,375 of 1,611,696 alleles (0.21%); highest among the groups gnomAD compares: African/African-American, 3.7%; 59 homozygotes.

Submission:

PreventionGenetics, part of Exact Sciences
Classification: Likely benign for DDX54-related condition. Last evaluated: 2019-10-30. Review status: no assertion criteria provided. Collection method: clinical testing. Allele origin: germline.
Comment: This variant is classified as likely benign based on ACMG/AMP sequence variant interpretation guidelines (Richards et al. 2015 PMID: 25741868, with internal and published modifications).

NM_024072.4(DDX54):c.2407G>A (p.Gly803Ser)

Gene: DDX54 (DEAD-box helicase 54; minus strand). Cytogenetic location: 12q24.13.
Variant type: single nucleotide variant.
Coding change: c.2407G>A on transcript NM_024072.4 (MANE Select); coding-DNA position 2407, G replaced by A.
Protein change: p.Gly803Ser; replaces glycine 803 with serine.
Molecular consequence: missense variant.
Genome position (GRCh38, 1-based): chr12:113,161,276, C>T on the plus strand (G>A on the coding strand, the complement: DDX54 is on the minus strand). VCF-style: chr12-113161276-C-T. GRCh37 (hg19) VCF-style: chr12-113599081-C-T.
Other names: c.2407G>A, p.Gly803Ser (NM_001111322.2); short protein forms G803S.
Identifiers: ClinVar variation 3056314 (VCV003056314.2), dbSNP rs116150151, ClinGen allele CA6803274.